The following is an entry in ClinVar:

NM_000481.4(AMT):c.643G>C (p.Val215Leu)

Gene: AMT (aminomethyltransferase; minus strand). Cytogenetic location: 3p21.31.
Variant type: single nucleotide variant.
Coding change: c.643G>C on transcript NM_000481.4 (MANE Select); coding-DNA position 643, G replaced by C.
Protein change: p.Val215Leu; replaces valine 215 with leucine.
Molecular consequence: missense variant. On other transcripts: non-coding transcript variant (1).
Genome position (GRCh38, 1-based): chr3:49,419,313, C>G on the plus strand (G>C on the coding strand, the complement: AMT is on the minus strand). VCF-style: chr3-49419313-C-G. GRCh37 (hg19) VCF-style: chr3-49456746-C-G.
Other names: c.511G>C, p.Val171Leu (NM_001164710.2); c.475G>C, p.Val159Leu (NM_001164711.2); c.643G>C, p.Val215Leu (NM_001164712.2); short protein forms V159L, V171L, V215L.
Identifiers: ClinVar variation 971693 (VCV000971693.6), dbSNP rs1030915796, ClinGen allele CA352790148.
Genomic context (GRCh38, chr3:49,419,313, plus strand): 5'-GACACACCTCCACACCATCCTCTCCTGTGTAGCCACAGCGGGTCACGCGGCAGCCAGACA[C>G]GCCAAACACCTCCATCACAGCACTGGTCATGAAGGGCAGTTTCCTCAGGTCATCTGCCAC-3'
Protein context (NP_000472.2, residues 205-225): MTSAVMEVFG[Val215Leu]SGCRVTRCGY

ClinVar aggregate classification (germline): Uncertain significance. Review status: criteria provided, single submitter (1 of 4 stars). 2 submissions from 2 submitters: Uncertain significance (1). 1 of the submissions does not count toward it. Last evaluated 2022-10-28.

Conditions:
Glycine encephalopathy. Also called: Non-ketotic hyperglycinemia; Nonketotic hyperglycinemia. Identifiers: Orphanet 407, MedGen C0751748, MONDO:0011612, HP:0008288.

Allele frequency attached by ClinVar (database versions not stated): TOPMed 0.00002.
gnomAD v4.1: 3 of 1,614,094 alleles (0.00019%); highest among the groups gnomAD compares: African/African-American, 0.0027%; no homozygotes.

Submissions (2):

Labcorp Genetics (formerly Invitae), Labcorp
Classification: Uncertain significance for Glycine encephalopathy. Last evaluated: 2022-10-28. Review status: criteria provided, single submitter. Criteria: Invitae Variant Classification Sherloc (09022015). Collection method: clinical testing. Allele origin: germline.
Comment: This sequence change replaces valine, which is neutral and non-polar, with leucine, which is neutral and non-polar, at codon 215 of the AMT protein (p.Val215Leu). This variant is present in population databases (no rsID available, gnomAD 0.008%). This variant has not been reported in the literature in individuals affected with AMT-related conditions. ClinVar contains an entry for this variant (Variation ID: 971693). Algorithms developed to predict the effect of missense changes on protein structure and function (SIFT, PolyPhen-2, Align-GVGD) all suggest that this variant is likely to be tolerated. In summary, the available evidence is currently insufficient to determine the role of this variant in disease. Therefore, it has been classified as a Variant of Uncertain Significance.

Natera, Inc.
Classification: Uncertain significance for Non-ketotic hyperglycinemia. Last evaluated: 2021-03-19. Review status: no assertion criteria provided. Collection method: clinical testing. Allele origin: germline. Not counted in ClinVar's aggregate classification.